The following is an entry in ClinVar:

NM_000038.6(APC):c.3238G>C (p.Glu1080Gln)

Gene: APC (APC regulator of Wnt signaling pathway; plus strand). Cytogenetic location: 5q22.2.
Variant type: single nucleotide variant.
Coding change: c.3238G>C on transcript NM_000038.6 (MANE Select); coding-DNA position 3238, G replaced by C.
Protein change: p.Glu1080Gln; replaces glutamic acid 1080 with glutamine.
Molecular consequence: missense variant.
Genome position (GRCh38, 1-based): chr5:112,838,832, G>C. VCF-style: chr5-112838832-G-C. GRCh37 (hg19) VCF-style: chr5-112174529-G-C.
Other names: c.3238G>C, p.Glu1080Gln (NM_001127510.3, NM_001354895.2, NM_001407450.1); c.3184G>C, p.Glu1062Gln (NM_001127511.3); c.3292G>C, p.Glu1098Gln (NM_001354896.2, NM_001407447.1, NM_001407448.1 and 1 more transcripts); c.3268G>C, p.Glu1090Gln (NM_001354897.2); c.3163G>C, p.Glu1055Gln (NM_001354898.2); c.3154G>C, p.Glu1052Gln (NM_001354899.2); c.3115G>C, p.Glu1039Gln (NM_001354900.2); c.3061G>C, p.Glu1021Gln (NM_001354901.2, NM_001407453.1); and 11 more; short protein forms E1021Q, E951Q, E1039Q, E1055Q, E1073Q, E696Q, E920Q, E954Q.
Identifiers: ClinVar variation 1729263 (VCV001729263.2), dbSNP rs2149887620, ClinGen allele CA16028435.

ClinVar aggregate classification (germline): Uncertain significance (1 of 4 stars; one submission).

Conditions:
Hereditary cancer-predisposing syndrome. Also called: Tumor predisposition; Neoplastic Syndromes, Hereditary; Hereditary Cancer Syndrome; Hereditary neoplastic syndrome. Identifiers: Orphanet 140162, MedGen C0027672, MeSH D009386, MONDO:0015356.

Submission:

Ambry Genetics
Classification: Uncertain significance for Hereditary cancer-predisposing syndrome. Last evaluated: 2021-11-30. Review status: criteria provided, single submitter. Criteria: Ambry Variant Classification Scheme 2023. Collection method: clinical testing. Allele origin: germline.
Comment: The p.E1080Q variant (also known as c.3238G>C), located in coding exon 15 of the APC gene, results from a G to C substitution at nucleotide position 3238. The glutamic acid at codon 1080 is replaced by glutamine, an amino acid with highly similar properties. This amino acid position is highly conserved in available vertebrate species. In addition, in silico predictors for this gene do not accurately predict pathogenicity. Since supporting evidence is limited at this time, the clinical significance of this alteration remains unclear.